The following is an entry in ClinVar:

NM_021625.5(TRPV4):c.371G>A (p.Arg124Lys)

Gene: TRPV4 (transient receptor potential cation channel subfamily V member 4; minus strand). Cytogenetic location: 12q24.11.
Variant type: single nucleotide variant.
Coding change: c.371G>A on transcript NM_021625.5 (MANE Select); coding-DNA position 371, G replaced by A.
Protein change: p.Arg124Lys; replaces arginine 124 with lysine.
Molecular consequence: missense variant.
Genome position (GRCh38, 1-based): chr12:109,814,426, C>T on the plus strand (G>A on the coding strand, the complement: TRPV4 is on the minus strand). VCF-style: chr12-109814426-C-T. GRCh37 (hg19) VCF-style: chr12-110252231-C-T.
Other names: c.269G>A, p.Arg90Lys (NM_001177431.2); c.371G>A, p.Arg124Lys (NM_001177433.2, NM_147204.3, NM_001177428.2); short protein forms R124K, R90K.
Identifiers: ClinVar variation 2735375 (VCV002735375.3), dbSNP rs1891729831, ClinGen allele CA386659556.

ClinVar aggregate classification (germline): Uncertain significance (1 of 4 stars; one submission).

Conditions:
Charcot-Marie-Tooth disease axonal type 2C (HMSN2C). Also called: Charcot-Marie-Tooth Disease Type 2, TRPV4-Related (CMT2C); CHARCOT-MARIE-TOOTH DISEASE, AXONAL, AUTOSOMAL DOMINANT, TYPE 2C; Charcot-Marie-Tooth Neuropathy Type 2C. Identifiers: Orphanet 99937, MedGen C1853710, MONDO:0011633, OMIM 606071.

Allele frequency attached by ClinVar (database versions not stated): TOPMed below 0.00001.

Submission:

Labcorp Genetics (formerly Invitae), Labcorp
Classification: Uncertain significance for Charcot-Marie-Tooth disease axonal type 2C. Last evaluated: 2023-02-11. Review status: criteria provided, single submitter. Criteria: Invitae Variant Classification Sherloc (09022015). Collection method: clinical testing. Allele origin: germline.
Comment: In summary, the available evidence is currently insufficient to determine the role of this variant in disease. Therefore, it has been classified as a Variant of Uncertain Significance. Advanced modeling of protein sequence and biophysical properties (such as structural, functional, and spatial information, amino acid conservation, physicochemical variation, residue mobility, and thermodynamic stability) performed at Invitae indicates that this missense variant is not expected to disrupt TRPV4 protein function. This variant has not been reported in the literature in individuals affected with TRPV4-related conditions. This variant is not present in population databases (gnomAD no frequency). This sequence change replaces arginine, which is basic and polar, with lysine, which is basic and polar, at codon 124 of the TRPV4 protein (p.Arg124Lys).